The following is an entry in ClinVar:

ClinVar aggregate classification (germline): Benign (1 of 4 stars; one submission).

Conditions:
Familial adenomatous polyposis 1 (FAP1). Also called: POLYPOSIS, ADENOMATOUS INTESTINAL; FAMILIAL ADENOMATOUS POLYPOSIS 1, ATTENUATED. Identifiers: MedGen C2713442, MONDO:0021056, OMIM 175100. Disease mechanism: loss of function.

Submission:

Myriad Genetics, Inc.
Classification: Benign for Familial adenomatous polyposis 1. Last evaluated: 2024-03-08. Review status: criteria provided, single submitter. Criteria: Myriad Autosomal Dominant, Autosomal Recessive and X-Linked Classification Criteria (2023). Collection method: clinical testing. Allele origin: unknown.
Comment: This variant is considered benign. This variant is a silent/synonymous amino acid change and it is not expected to impact splicing.

NM_000038.6(APC):c.2130C>G (p.Leu710=)

Gene: APC (APC regulator of Wnt signaling pathway; plus strand). Cytogenetic location: 5q22.2.
Variant type: single nucleotide variant.
Coding change: c.2130C>G on transcript NM_000038.6 (MANE Select); coding-DNA position 2130, C replaced by G.
Protein change: p.Leu710=; no amino-acid change (leucine 710 retained).
Molecular consequence: synonymous variant. On other transcripts: non-coding transcript variant (2).
Genome position (GRCh38, 1-based): chr5:112,837,724, C>G. VCF-style: chr5-112837724-C-G. GRCh37 (hg19) VCF-style: chr5-112173421-C-G.
Other names: c.2130C>G, p.Leu710= (NM_001127510.3, NM_001354895.2, NM_001407450.1); c.2076C>G, p.Leu692= (NM_001127511.3); c.2184C>G, p.Leu728= (NM_001354896.2, NM_001407447.1, NM_001407448.1 and 1 more transcripts); c.2160C>G, p.Leu720= (NM_001354897.2); c.2055C>G, p.Leu685= (NM_001354898.2); c.2046C>G, p.Leu682= (NM_001354899.2); c.2007C>G, p.Leu669= (NM_001354900.2); c.1953C>G, p.Leu651= (NM_001354901.2, NM_001407453.1); and 11 more.
Identifiers: ClinVar variation 3148507 (VCV003148507.1), dbSNP rs1057521787, ClinGen allele CA445963443.